The following is an entry in ClinVar:

ClinVar aggregate classification (germline): Likely benign (1 of 4 stars; one submission).

Conditions:
SLC10A2-related disorder. Also called: SLC10A2-related condition.

gnomAD v4.1: 5 of 1,613,974 alleles (0.00031%); highest among the groups gnomAD compares: East Asian, 0.011%; no homozygotes.

Submission:

PreventionGenetics, part of Exact Sciences
Classification: Likely benign for SLC10A2-related condition. Last evaluated: 2025-09-23. Review status: criteria provided, single submitter. Criteria: ACMG Guidelines, 2015. Collection method: clinical testing. Allele origin: germline.
Comment: This variant is classified as likely benign based on ACMG/AMP sequence variant interpretation guidelines (Richards et al. 2015 PMID: 25741868, with internal and published modifications).

NM_000452.3(SLC10A2):c.240C>A (p.Pro80=)

Gene: SLC10A2 (solute carrier family 10 member 2; minus strand). Cytogenetic location: 13q33.1.
Variant type: single nucleotide variant.
Coding change: c.240C>A on transcript NM_000452.3 (MANE Select); coding-DNA position 240, C replaced by A.
Protein change: p.Pro80=; no amino-acid change (proline 80 retained).
Molecular consequence: synonymous variant.
Genome position (GRCh38, 1-based): chr13:103,066,010, G>T on the plus strand (C>A on the coding strand, the complement: SLC10A2 is on the minus strand). VCF-style: chr13-103066010-G-T. GRCh37 (hg19) VCF-style: chr13-103718360-G-T.
Identifiers: ClinVar variation 4986685 (VCV004986685.1).
Genomic context (GRCh38, chr13:103,066,010, plus strand): 5'-CACCACTACGGCCTGGAGCGGGAGGATGTCAAAGGCCACCGACAGGATGAATCCTGTGAG[G>T]GGCATGATTCCAAACTGACAGAGGAAGCCAACACAAATGCCCCACGGCCGCTTTATGTGC-3'
Protein context (NP_000443.2, residues 70-90): VGFLCQFGIM[Pro80=]LTGFILSVAF